The following is an entry in ClinVar:

ClinVar aggregate classification (germline): Uncertain significance. Review status: criteria provided, multiple submitters, no conflicts (2 of 4 stars). 6 submissions from 6 submitters: Uncertain significance (5). 1 of the submissions does not count toward it. Last evaluated 2025-06-19.

Conditions:
Intellectual disability. Also called: intellectual disabilities; Intellectual developmental disorder; Intellectual functioning disability. Identifiers: MedGen C3714756, MeSH D008607, MONDO:0001071, HP:0001249.
Inborn genetic diseases. Identifiers: MedGen C0950123, MeSH D030342.

Allele frequency attached by ClinVar (database versions not stated): 1000 Genomes Project 0.00020; TOPMed 0.00028; gnomAD 0.00041; ESP Exome Variant Server 0.00046; 1000 Genomes Project 30x 0.00047.
gnomAD v4.1: 819 of 1,610,630 alleles (0.051%); highest among the groups gnomAD compares: Non-Finnish European, 0.067%; no homozygotes.

Submissions (6):

Ambry Genetics
Classification: Uncertain significance for Inborn genetic diseases. Last evaluated: 2025-06-19. Review status: criteria provided, single submitter. Criteria: Ambry Variant Classification Scheme 2023. Collection method: clinical testing. Allele origin: germline.

CeGaT Center for Human Genetics Tuebingen
Classification: Uncertain significance. Last evaluated: 2025-01-01. Review status: criteria provided, single submitter. Criteria: CeGaT Center For Human Genetics Tuebingen Variant Classification Criteria Version 2. Collection method: clinical testing. Allele origin: germline. Affected: yes. Observed: 1 variant allele.
Comment: LAMC3: PM2, BP4

Labcorp Genetics (formerly Invitae), Labcorp
Classification: Uncertain significance. Last evaluated: 2022-09-01. Review status: criteria provided, single submitter. Criteria: Invitae Variant Classification Sherloc (09022015). Collection method: clinical testing. Allele origin: germline.
Comment: This sequence change replaces alanine, which is neutral and non-polar, with proline, which is neutral and non-polar, at codon 1137 of the LAMC3 protein (p.Ala1137Pro). This variant is present in population databases (rs149766298, gnomAD 0.05%). This variant has not been reported in the literature in individuals affected with LAMC3-related conditions. ClinVar contains an entry for this variant (Variation ID: 498310). Algorithms developed to predict the effect of missense changes on protein structure and function output the following: SIFT: "Tolerated"; PolyPhen-2: "Benign"; Align-GVGD: "Class C0". The proline amino acid residue is found in multiple mammalian species, which suggests that this missense change does not adversely affect protein function. In summary, the available evidence is currently insufficient to determine the role of this variant in disease. Therefore, it has been classified as a Variant of Uncertain Significance.

GeneDx
Classification: Uncertain significance. Last evaluated: 2020-11-23. Review status: criteria provided, single submitter. Criteria: GeneDx Variant Classification Process June 2021. Collection method: clinical testing. Allele origin: germline. Affected: yes.
Comment: In silico analysis, which includes protein predictors and evolutionary conservation, supports that this variant does not alter protein structure/function; Has not been previously published as pathogenic or benign to our knowledge

Eurofins Ntd Llc (ga)
Classification: Uncertain significance. Last evaluated: 2016-12-14. Review status: criteria provided, single submitter. Criteria: EGL Classification Definitions 2015. Collection method: clinical testing. Allele origin: germline. Observed: 1 variant allele, 1 heterozygote.

Centre de Biologie Pathologie Génétique, Centre Hospitalier Universitaire de Lille
Classification: Likely benign for Intellectual disability. Last evaluated: 2019-01-01. Review status: no assertion criteria provided. Collection method: clinical testing. Allele origin: inherited. Affected: yes. Not counted in ClinVar's aggregate classification.

NM_006059.4(LAMC3):c.3409G>C (p.Ala1137Pro)

Gene: LAMC3 (laminin subunit gamma 3; plus strand). Cytogenetic location: 9q34.12.
Variant type: single nucleotide variant.
Coding change: c.3409G>C on transcript NM_006059.4 (MANE Select); coding-DNA position 3409, G replaced by C.
Protein change: p.Ala1137Pro; replaces alanine 1137 with proline.
Molecular consequence: missense variant.
Genome position (GRCh38, 1-based): chr9:131,072,827, G>C. VCF-style: chr9-131072827-G-C. GRCh37 (hg19) VCF-style: chr9-133948214-G-C.
Other names: short protein forms A1137P.
Identifiers: ClinVar variation 498310 (VCV000498310.26), dbSNP rs149766298, ClinGen allele CA5287771.